The following is an entry in ClinVar:

NM_001130009.3(GEN1):c.749C>T (p.Pro250Leu)

Gene: GEN1 (GEN1 structure-specific endonuclease; plus strand). Cytogenetic location: 2p24.2.
Variant type: single nucleotide variant.
Coding change: c.749C>T on transcript NM_001130009.3 (MANE Select); coding-DNA position 749, C replaced by T.
Protein change: p.Pro250Leu; replaces proline 250 with leucine.
Molecular consequence: missense variant.
Genome position (GRCh38, 1-based): chr2:17,771,234, C>T. VCF-style: chr2-17771234-C-T. GRCh37 (hg19) VCF-style: chr2-17952501-C-T.
Other names: c.749C>T, p.Pro250Leu (NM_182625.5); c.749C>T (NM_182625.4); short protein forms P250L.
Identifiers: ClinVar variation 969579 (VCV000969579.11), dbSNP rs141482726, ClinGen allele CA1540545.

ClinVar aggregate classification (germline): Uncertain significance. Review status: criteria provided, multiple submitters, no conflicts (2 of 4 stars). 3 submissions from 3 submitters: Uncertain significance (2). 1 of the submissions does not count toward it. Last evaluated 2026-01-27.

Conditions:
GEN1-related disorder. Also called: GEN1-related condition.

Allele frequency attached by ClinVar (database versions not stated): gnomAD 0.00059 and 0.00064; gnomAD exomes 0.00059; ExAC 0.00060; TOPMed 0.00070; ESP Exome Variant Server 0.00085.

Submissions (3):

Labcorp Genetics (formerly Invitae), Labcorp
Classification: Uncertain significance. Last evaluated: 2026-01-27. Review status: criteria provided, single submitter. Criteria: Invitae Variant Classification Sherloc (09022015). Collection method: clinical testing. Allele origin: germline.
Comment: This sequence change replaces proline, which is neutral and non-polar, with leucine, which is neutral and non-polar, at codon 250 of the GEN1 protein (p.Pro250Leu). This variant is present in population databases (rs141482726, gnomAD 0.1%), and has an allele count higher than expected for a pathogenic variant. This variant has not been reported in the literature in individuals affected with GEN1-related conditions. ClinVar contains an entry for this variant (Variation ID: 969579). An algorithm developed to predict the effect of missense changes on protein structure and function outputs the following: PolyPhen-2: "Benign". The leucine amino acid residue is found in multiple mammalian species, which suggests that this missense change does not adversely affect protein function. In summary, the available evidence is currently insufficient to determine the role of this variant in disease. Therefore, it has been classified as a Variant of Uncertain Significance.

Department of Pathology and Laboratory Medicine, Sinai Health System
Classification: Uncertain significance for GEN1-related disorder. Last evaluated: 2023-08-31. Review status: criteria provided, single submitter. Criteria: ACMG Guidelines, 2015. Collection method: research. Allele origin: germline.

PreventionGenetics, part of Exact Sciences
Classification: Likely benign for GEN1-related condition. Last evaluated: 2021-02-15. Review status: no assertion criteria provided. Collection method: clinical testing. Allele origin: germline. Not counted in ClinVar's aggregate classification.
Comment: This variant is classified as likely benign based on ACMG/AMP sequence variant interpretation guidelines (Richards et al. 2015 PMID: 25741868, with internal and published modifications).